The following is an entry in ClinVar:

ClinVar aggregate classification (germline): Pathogenic (1 of 4 stars; one submission).

Conditions:
Intellectual developmental disorder, autosomal dominant 52. Also called: Intellectual disability, autosomal dominant 52; Mental retardation, autosomal dominant 52. Identifiers: MedGen C4540478, MONDO:0030918, OMIM 617796.

Submission:

Victorian Clinical Genetics Services, Murdoch Childrens Research Institute
Classification: Pathogenic for Intellectual developmental disorder, autosomal dominant 52. Last evaluated: 2025-01-28. Review status: criteria provided, single submitter. Criteria: ACMG Guidelines, 2015. Collection method: clinical testing. Allele origin: germline. Affected: yes.
Comment: This variant is classified as Pathogenic. Evidence in support of pathogenic classification: Variant is predicted to cause nonsense-mediated decay (NMD) and loss of protein (premature termination codon is located at least 54 nucleotides upstream of the final exon-exon junction); Variant is absent from gnomAD (v2, v3 and v4); Other NMD-predicted variant(s) comparable to the one identified in this case have very strong previous evidence for pathogenicity (DECIPHER). Additional information: This variant is heterozygous; This gene is associated with autosomal dominant disease; This variant has no previous evidence of pathogenicity; No published segregation evidence has been identified for this variant; No published functional evidence has been identified for this variant; Loss of function is a known mechanism of disease in this gene and is associated with intellectual developmental disorder, autosomal dominant 52 (MIM#617796).

NM_018489.3(ASH1L):c.1091_1101del (p.Val364fs)

Gene: ASH1L (ASH1 like histone lysine methyltransferase; minus strand). Cytogenetic location: 1q22.
Variant type: Deletion.
Coding change: c.1091_1101del on transcript NM_018489.3 (MANE Select); coding-DNA positions 1091 to 1101, 11 bases deleted (TGGTTGGACTG).
Protein change: p.Val364fs; shifts the reading frame from valine 364.
Molecular consequence: frameshift variant.
Genome position (GRCh38, 1-based): chr1:155,481,769-155,481,779, CAGTCCAACCA deleted on the plus strand (TGGTTGGACTG on the coding strand, the reverse complement: ASH1L is on the minus strand); deleting any 11 consecutive bases within chr1:155,481,769-155,481,783 gives the same sequence; the c. name uses the placement nearest the transcript's 3' end. VCF-style (leftmost placement, unchanged base first): chr1-155481768-CCAGTCCAACCA-C. GRCh37 (hg19) VCF-style: chr1-155451559-CCAGTCCAACCA-C.
Other names: c.1091_1101del, p.Val364fs (NM_001366177.2); short protein forms V364fs.
Identifiers: ClinVar variation 4532006 (VCV004532006.1).